The following is an entry in ClinVar:

ClinVar aggregate classification (germline): Uncertain significance (1 of 4 stars; one submission).

Conditions:
Ellis-van Creveld syndrome (EVC). Also called: MESOECTODERMAL DYSPLASIA; EVC-Related Ellis-van Creveld Syndrome; EVC2-Related Ellis-van Creveld Syndrome; Chondroectodermal dysplasia. Identifiers: Orphanet 289, MedGen C0013903, MONDO:0009162, OMIM 225500.
Curry-Hall syndrome (WAD). Also called: WEYERS ACRODENTAL DYSOSTOSIS. Identifiers: Orphanet 952, MedGen C0457013, MONDO:0008673, OMIM 193530.

Submission:

Labcorp Genetics (formerly Invitae), Labcorp
Classification: Uncertain significance for Curry-Hall syndrome; Ellis-van Creveld syndrome. Last evaluated: 2020-02-24. Review status: criteria provided, single submitter. Criteria: Invitae Variant Classification Sherloc (09022015). Collection method: clinical testing. Allele origin: germline.
Comment: This variant is not present in population databases (ExAC no frequency). This sequence change replaces glutamic acid with alanine at codon 270 of the EVC protein (p.Glu270Ala). The glutamic acid residue is moderately conserved and there is a moderate physicochemical difference between glutamic acid and alanine. This variant has not been reported in the literature in individuals with EVC-related disease. In summary, the available evidence is currently insufficient to determine the role of this variant in disease. Therefore, it has been classified as a Variant of Uncertain Significance. Algorithms developed to predict the effect of missense changes on protein structure and function (SIFT, PolyPhen-2, Align-GVGD) all suggest that this variant is likely to be tolerated, but these predictions have not been confirmed by published functional studies and their clinical significance is uncertain.

NM_153717.3(EVC):c.809A>C (p.Glu270Ala)

Gene: EVC (EvC ciliary complex subunit 1; plus strand). Cytogenetic location: 4p16.2.
Variant type: single nucleotide variant.
Coding change: c.809A>C on transcript NM_153717.3 (MANE Select); coding-DNA position 809, A replaced by C.
Protein change: p.Glu270Ala; replaces glutamic acid 270 with alanine.
Molecular consequence: missense variant.
Genome position (GRCh38, 1-based): chr4:5,745,211, A>C. VCF-style: chr4-5745211-A-C. GRCh37 (hg19) VCF-style: chr4-5746938-A-C.
Other names: c.809A>C, p.Glu270Ala (NM_001306090.2, NM_001306092.2); short protein forms E270A.
Identifiers: ClinVar variation 642315 (VCV000642315.9), dbSNP rs1428021249, ClinGen allele CA356148897.
Genomic context (GRCh38, chr4:5,745,211, plus strand): 5'-ACGCTAAACTTTTTCTTTGTTTATTTGCTTTCTTTTTTCTTCTTCTTCTTCAGGATTTGG[A>C]GGAACTAGAAAAGGGACTTCAGGTCAAACTGTCAAACACAGAAATGTCGGGGGCTGGTGA-3'
Protein context (NP_714928.1, residues 260-280): KILSKQEKDL[Glu270Ala]ELEKGLQVKL